The following is an entry in ClinVar:

ClinVar aggregate classification (germline): Benign (1 of 4 stars; one submission).

Allele frequency attached by ClinVar (database versions not stated): gnomAD 0.13863 and 0.14362; TOPMed 0.13206; 1000 Genomes Project 30x 0.13554; 1000 Genomes Project 0.13638.

Submission:

GeneDx
Classification: Benign. Last evaluated: 2018-06-19. Review status: criteria provided, single submitter. Criteria: GeneDx Variant Classification (06012015). Collection method: clinical testing. Allele origin: germline. Affected: yes.
Comment: This variant is considered likely benign or benign based on one or more of the following criteria: it is a conservative change, it occurs at a poorly conserved position in the protein, it is predicted to be benign by multiple in silico algorithms, and/or has population frequency not consistent with disease.

NM_005262.2(GFER):c.-250C>G

Genes: GFER (growth factor, augmenter of liver regeneration; plus strand), LOC130058203 (ATAC-STARR-seq lymphoblastoid silent region 7014; plus strand). Cytogenetic location: 16p13.3.
Variant type: single nucleotide variant.
Coding change: c.-250C>G on transcript NM_005262.2; 250 bases upstream of the start codon, C replaced by G.
Genome position (GRCh38, 1-based): chr16:1,983,969, C>G. VCF-style: chr16-1983969-C-G. GRCh37 (hg19) VCF-style: chr16-2033970-C-G.
Identifiers: ClinVar variation 671621 (VCV000671621.3), dbSNP rs4305020, ClinGen allele CA14291481.
Genomic context (GRCh38, chr16:1,983,969, plus strand): 5'-CGGCCGCCACGGACGGCGCAACCCCTGCGTGCGCCGCGGATCGACGCCTGAGGGCGCCAG[C>G]AGGGTCCGACCCTCCTGCTCCGTCCCCGCCCCTGTCCTCGGGCCCGGCCAGCGCCGCGGC-3'